The following is an entry in ClinVar:

NM_020738.4(KIDINS220):c.3585+6G>A

Gene: KIDINS220 (kinase D interacting substrate 220; minus strand). Cytogenetic location: 2p25.1.
Variant type: single nucleotide variant.
Coding change: c.3585+6G>A on transcript NM_020738.4 (MANE Select); 6 bases into the intron after coding-DNA position 3585, G replaced by A.
Molecular consequence: intron variant.
Genome position (GRCh38, 1-based): chr2:8,747,139, C>T on the plus strand (G>A on the coding strand, the complement: KIDINS220 is on the minus strand). VCF-style: chr2-8747139-C-T. GRCh37 (hg19) VCF-style: chr2-8887269-C-T.
Other names: c.3414+2973G>A (NM_001348741.2, NM_001348742.2, NM_001348743.2 and 1 more transcripts); c.3528+748G>A (NM_001348738.2, NM_001348732.2); c.3417+2973G>A (NM_001348739.2, NM_001348740.2, NM_001348734.2); c.3531+748G>A (NM_001348731.2); c.3588+6G>A (NM_001348729.2); c.3288+2973G>A (NM_001348736.2).
Identifiers: ClinVar variation 4993170 (VCV004993170.1).
Genomic context (GRCh38, chr2:8,747,139, plus strand): 5'-GACAGTCATTACTGAGGCAGAAGCAATGAGATGCCAGCGATCCACACCACAGGACTACTC[C>T]ATTACCCTCGAGGAGTCTGTGGGTGAAGAAAGCCCCTCAGCAGCATCCTCCTTGATAACT-3'

ClinVar aggregate classification (germline): Uncertain significance (1 of 4 stars; one submission).

Conditions:
KIDINS220-related disorder. Also called: KIDINS220-related condition.

Submission:

PreventionGenetics, part of Exact Sciences
Classification: Uncertain significance for KIDINS220-related condition. Last evaluated: 2026-07-14. Review status: criteria provided, single submitter. Criteria: ACMG Guidelines, 2015. Collection method: clinical testing. Allele origin: germline.
Comment: The KIDINS220 c.3585+6G>A variant is predicted to interfere with splicing. To our knowledge, this variant has not been reported in the literature or in a large population database (gnomAD), indicating this variant is rare. At this time, the clinical significance of this variant is uncertain due to the absence of conclusive functional and genetic evidence.